The following is an entry in ClinVar:

ClinVar aggregate classification (germline): Pathogenic (1 of 4 stars; one submission).

Submission:

Labcorp Genetics (formerly Invitae), Labcorp
Classification: Pathogenic. Last evaluated: 2023-07-17. Review status: criteria provided, single submitter. Criteria: Invitae Variant Classification Sherloc (09022015). Collection method: clinical testing. Allele origin: germline.
Comment: This sequence change creates a premature translational stop signal (p.Phe176Leufs*22) in the MCM3AP gene. It is expected to result in an absent or disrupted protein product. Loss-of-function variants in MCM3AP are known to be pathogenic (PMID: 28633435). This variant is not present in population databases (gnomAD no frequency). This variant has not been reported in the literature in individuals affected with MCM3AP-related conditions. For these reasons, this variant has been classified as Pathogenic.

Literature cited by the submitters: PubMed 28633435.

NM_003906.5(MCM3AP):c.528del (p.Phe176fs)

Gene: MCM3AP (minichromosome maintenance complex component 3 associated protein; minus strand). Cytogenetic location: 21q22.3.
Variant type: Deletion.
Coding change: c.528del on transcript NM_003906.5 (MANE Select); coding-DNA position 528, one base deleted (T; older notation c.528delT).
Protein change: p.Phe176fs; shifts the reading frame from phenylalanine 176.
Molecular consequence: frameshift variant.
Genome position (GRCh38, 1-based): chr21:46,284,759, A deleted on the plus strand (T on the coding strand, the reverse complement: MCM3AP is on the minus strand); the first of 6 consecutive A bases (chr21:46,284,759-46,284,764); deleting any one gives the same sequence. VCF-style (leftmost placement, unchanged base first): chr21-46284758-TA-T. GRCh37 (hg19) VCF-style: chr21-47704672-TA-T.
Other names: short protein forms F176fs.
Identifiers: ClinVar variation 3000761 (VCV003000761.3), dbSNP rs778126344, ClinGen allele CA2740094747.